The following is an entry in ClinVar:

ClinVar aggregate classification (germline): Uncertain significance. Review status: criteria provided, multiple submitters, no conflicts (2 of 4 stars). 2 submissions from 2 submitters: Uncertain significance (2). Last evaluated 2025-06-20.

Conditions:
KCNQ4-related disorder. Also called: KCNQ4-related condition.
Autosomal dominant nonsyndromic hearing loss 2A. Also called: Autosomal dominant nonsyndromic deafness 2A; DFNA2 Nonsyndromic Hearing Loss; Deafness, autosomal dominant 2A. Identifiers: Orphanet 90635, MedGen C2677637, MONDO:0010817, OMIM 600101.

Allele frequency attached by ClinVar (database versions not stated): TOPMed 0.00003; ExAC 0.00004; gnomAD exomes 0.00004 and 0.00003; gnomAD 0.00002 and 0.00003.
gnomAD v4.1: 47 of 1,613,132 alleles (0.0029%); highest among the groups gnomAD compares: South Asian, 0.0044%; no homozygotes.

Submissions (2):

PreventionGenetics, part of Exact Sciences
Classification: Uncertain significance for KCNQ4-related condition. Last evaluated: 2025-06-20. Review status: criteria provided, single submitter. Criteria: ACMG Guidelines, 2015. Collection method: clinical testing. Allele origin: germline.
Comment: The KCNQ4 c.1565C>T variant is predicted to result in the amino acid substitution p.Thr522Met. To our knowledge, this variant has not been reported in the literature. This variant is reported in 0.0065% of alleles in individuals of South Asian descent in gnomAD. At this time, the clinical significance of this variant is uncertain due to the absence of conclusive functional and genetic evidence.

Baylor Genetics
Classification: Uncertain significance for Autosomal dominant nonsyndromic hearing loss 2A. Last evaluated: 2018-05-25. Review status: criteria provided, single submitter. Criteria: ACMG Guidelines, 2015. Collection method: clinical testing. Allele origin: unknown. Affected: yes.
Comment: This variant was determined to be of uncertain significance according to ACMG Guidelines, 2015 [PMID:25741868].

NM_004700.4(KCNQ4):c.1565C>T (p.Thr522Met)

Gene: KCNQ4 (potassium voltage-gated channel subfamily Q member 4; plus strand). Cytogenetic location: 1p34.2.
Variant type: single nucleotide variant.
Coding change: c.1565C>T on transcript NM_004700.4 (MANE Select); coding-DNA position 1565, C replaced by T.
Protein change: p.Thr522Met; replaces threonine 522 with methionine.
Molecular consequence: missense variant.
Genome position (GRCh38, 1-based): chr1:40,833,065, C>T. VCF-style: chr1-40833065-C-T. GRCh37 (hg19) VCF-style: chr1-41298737-C-T.
Other names: c.1403C>T, p.Thr468Met (NM_172163.3); short protein forms T522M, T468M.
Identifiers: ClinVar variation 1032259 (VCV001032259.2), dbSNP rs748693577, ClinGen allele CA794928.